The following is an entry in ClinVar:

ClinVar aggregate classification (germline): Conflicting classifications of pathogenicity. Review status: criteria provided, conflicting classifications (1 of 4 stars). 4 submissions from 4 submitters: Uncertain significance (2); Likely benign (2). Last evaluated 2025-10-02.

Conditions:
Inborn genetic diseases. Identifiers: MedGen C0950123, MeSH D030342.
NARS2-related disorder. Also called: NARS2-related condition.

Allele frequency attached by ClinVar (database versions not stated): gnomAD 0.00004; TOPMed 0.00005; gnomAD exomes 0.00007; ESP Exome Variant Server 0.00008; ExAC 0.00009; 1000 Genomes Project 30x 0.00016; 1000 Genomes Project 0.00020.
gnomAD v4.1: 97 of 1,599,452 alleles (0.0061%); highest among the groups gnomAD compares: Middle Eastern, 0.067%; no homozygotes.

Submissions (4):

Labcorp Genetics (formerly Invitae), Labcorp
Classification: Uncertain significance. Last evaluated: 2025-10-02. Review status: criteria provided, single submitter. Criteria: Invitae Variant Classification Sherloc (09022015). Collection method: clinical testing. Allele origin: germline.
Comment: This sequence change falls in intron 4 of the NARS2 gene. It does not directly change the encoded amino acid sequence of the NARS2 protein. It affects a nucleotide within the consensus splice site. This variant is present in population databases (rs376010721, gnomAD 0.03%). This variant has not been reported in the literature in individuals affected with NARS2-related conditions. ClinVar contains an entry for this variant (Variation ID: 513490). Variants that disrupt the consensus splice site are a relatively common cause of aberrant splicing (PMID: 17576681, 9536098). Algorithms developed to predict the effect of sequence changes on RNA splicing suggest that this variant is not likely to affect RNA splicing. In summary, the available evidence is currently insufficient to determine the role of this variant in disease. Therefore, it has been classified as a Variant of Uncertain Significance.

PreventionGenetics, part of Exact Sciences
Classification: Likely benign for NARS2-related condition. Last evaluated: 2025-03-31. Review status: criteria provided, single submitter. Criteria: ACMG Guidelines, 2015. Collection method: clinical testing. Allele origin: germline.
Comment: This variant is classified as likely benign based on ACMG/AMP sequence variant interpretation guidelines (Richards et al. 2015 PMID: 25741868, with internal and published modifications).

Ambry Genetics
Classification: Uncertain significance for Inborn genetic diseases. Last evaluated: 2021-07-16. Review status: criteria provided, single submitter. Criteria: Ambry Variant Classification Scheme 2023. Collection method: clinical testing. Allele origin: germline.
Comment: The c.514-3C>T intronic alteration consists of a C to T substitution 3 nucleotides before coding exon 5 in the NARS2 gene. Based on insufficient or conflicting evidence, the clinical significance of this alteration remains unclear.

GeneDx
Classification: Likely benign. Last evaluated: 2017-12-05. Review status: criteria provided, single submitter. Criteria: GeneDx Variant Classification (06012015). Collection method: clinical testing. Allele origin: germline. Affected: yes.
Comment: This variant is considered likely benign or benign based on one or more of the following criteria: it is a conservative change, it occurs at a poorly conserved position in the protein, it is predicted to be benign by multiple in silico algorithms, and/or has population frequency not consistent with disease.

Literature cited by the submitters: PubMed 17576681 (cited by Labcorp Genetics (formerly Invitae), Labcorp); PubMed 9536098 (cited by Labcorp Genetics (formerly Invitae), Labcorp).

NM_024678.6(NARS2):c.514-3C>T

Gene: NARS2 (asparaginyl-tRNA synthetase 2, mitochondrial; minus strand). Cytogenetic location: 11q14.1.
Variant type: single nucleotide variant.
Coding change: c.514-3C>T on transcript NM_024678.6 (MANE Select); 3 bases into the intron before coding-DNA position 514, C replaced by T.
Molecular consequence: intron variant.
Genome position (GRCh38, 1-based): chr11:78,559,622, G>A on the plus strand (C>T on the coding strand, the complement: NARS2 is on the minus strand). VCF-style: chr11-78559622-G-A. GRCh37 (hg19) VCF-style: chr11-78270668-G-A.
Other names: c.-168-3C>T (NM_001243251.2).
Identifiers: ClinVar variation 513490 (VCV000513490.8), dbSNP rs376010721, ClinGen allele CA6205805.